The following is an entry in ClinVar:

ClinVar aggregate classification (germline): Uncertain significance (1 of 4 stars; one submission).

Conditions:
GM1 gangliosidosis. Identifiers: Orphanet 354, MedGen C0085131, MONDO:0018149.
Mucopolysaccharidosis, MPS-IV-B (MPS4B). Also called: Mucopolysaccharidosis type 4B; Mucopolysaccharidosis Type IVB (Morquio B Disease); MORQUIO SYNDROME B; Mucopolysaccharidosis type IVB (Morquio); MPS IVB; Mucopolysaccharidosis type IV B. Identifiers: Orphanet 309310, Orphanet 582, MedGen C0086652, MONDO:0009660, OMIM 253010.

Submission:

Labcorp Genetics (formerly Invitae), Labcorp
Classification: Uncertain significance for Mucopolysaccharidosis, MPS-IV-B; GM1 gangliosidosis. Last evaluated: 2022-11-02. Review status: criteria provided, single submitter. Criteria: Invitae Variant Classification Sherloc (09022015). Collection method: clinical testing. Allele origin: germline.
Comment: This sequence change replaces proline, which is neutral and non-polar, with alanine, which is neutral and non-polar, at codon 323 of the GLB1 protein (p.Pro323Ala). This variant is not present in population databases (gnomAD no frequency). This variant has not been reported in the literature in individuals affected with GLB1-related conditions. ClinVar contains an entry for this variant (Variation ID: 639303). Advanced modeling of protein sequence and biophysical properties (such as structural, functional, and spatial information, amino acid conservation, physicochemical variation, residue mobility, and thermodynamic stability) performed at Invitae indicates that this missense variant is expected to disrupt GLB1 protein function. In summary, the available evidence is currently insufficient to determine the role of this variant in disease. Therefore, it has been classified as a Variant of Uncertain Significance.

NM_000404.4(GLB1):c.967C>G (p.Pro323Ala)

Gene: GLB1 (galactosidase beta 1; minus strand). Cytogenetic location: 3p22.3.
Variant type: single nucleotide variant.
Coding change: c.967C>G on transcript NM_000404.4 (MANE Select); coding-DNA position 967, C replaced by G.
Protein change: p.Pro323Ala; replaces proline 323 with alanine.
Molecular consequence: missense variant.
Genome position (GRCh38, 1-based): chr3:33,046,221, G>C on the plus strand (C>G on the coding strand, the complement: GLB1 is on the minus strand). VCF-style: chr3-33046221-G-C. GRCh37 (hg19) VCF-style: chr3-33087713-G-C.
Other names: c.877C>G, p.Pro293Ala (NM_001079811.3); c.574C>G, p.Pro192Ala (NM_001135602.3); c.1111C>G, p.Pro371Ala (NM_001317040.2); c.967C>G, p.Pro323Ala (NM_001393580.1); short protein forms P323A, P293A, P371A, P192A.
Identifiers: ClinVar variation 639303 (VCV000639303.7), dbSNP rs1575445193, ClinGen allele CA351999485.